The following is an entry in ClinVar:

ClinVar aggregate classification (germline): Uncertain significance. Review status: criteria provided, multiple submitters, no conflicts (2 of 4 stars). 3 submissions from 3 submitters: Uncertain significance (2). 1 of the submissions does not count toward it. Last evaluated 2025-10-08.

Conditions:
ACOX2-related disorder. Also called: ACOX2-related condition.

Allele frequency attached by ClinVar (database versions not stated): 1000 Genomes Project 30x 0.00016; gnomAD 0.00003; TOPMed 0.00003; 1000 Genomes Project 0.00020; gnomAD exomes 0.00004; ExAC 0.00005.
gnomAD v4.1: 67 of 1,614,156 alleles (0.0042%); highest among the groups gnomAD compares: Middle Eastern, 0.033%; no homozygotes.

Submissions (3):

Labcorp Genetics (formerly Invitae), Labcorp
Classification: Uncertain significance. Last evaluated: 2025-10-08. Review status: criteria provided, single submitter. Criteria: Invitae Variant Classification Sherloc (09022015). Collection method: clinical testing. Allele origin: germline.
Comment: This sequence change replaces valine, which is neutral and non-polar, with methionine, which is neutral and non-polar, at codon 114 of the ACOX2 protein (p.Val114Met). This variant is present in population databases (rs565971923, gnomAD 0.03%). This variant has not been reported in the literature in individuals affected with ACOX2-related conditions. ClinVar contains an entry for this variant (Variation ID: 2911229). Invitae Evidence Modeling of protein sequence and biophysical properties (such as structural, functional, and spatial information, amino acid conservation, physicochemical variation, residue mobility, and thermodynamic stability) indicates that this missense variant is not expected to disrupt ACOX2 protein function with a negative predictive value of 80%. In summary, the available evidence is currently insufficient to determine the role of this variant in disease. Therefore, it has been classified as a Variant of Uncertain Significance.

Ambry Genetics
Classification: Uncertain significance. Last evaluated: 2025-10-07. Review status: criteria provided, single submitter. Criteria: Ambry Variant Classification Scheme 2023. Collection method: clinical testing. Allele origin: germline.

PreventionGenetics, part of Exact Sciences
Classification: Uncertain significance for ACOX2-related condition. Last evaluated: 2024-05-23. Review status: no assertion criteria provided. Collection method: clinical testing. Allele origin: germline. Not counted in ClinVar's aggregate classification.
Comment: The ACOX2 c.340G>A variant is predicted to result in the amino acid substitution p.Val114Met. To our knowledge, this variant has not been reported in the literature. This variant is reported in 0.032% of alleles in individuals of Latino descent in gnomAD. At this time, the clinical significance of this variant is uncertain due to the absence of conclusive functional and genetic evidence.

NM_003500.4(ACOX2):c.340G>A (p.Val114Met)

Gene: ACOX2 (acyl-CoA oxidase 2; minus strand). Cytogenetic location: 3p14.3.
Variant type: single nucleotide variant.
Coding change: c.340G>A on transcript NM_003500.4 (MANE Select); coding-DNA position 340, G replaced by A.
Protein change: p.Val114Met; replaces valine 114 with methionine.
Molecular consequence: missense variant.
Genome position (GRCh38, 1-based): chr3:58,534,129, C>T on the plus strand (G>A on the coding strand, the complement: ACOX2 is on the minus strand). VCF-style: chr3-58534129-C-T. GRCh37 (hg19) VCF-style: chr3-58519856-C-T.
Other names: c.340G>A (NM_003500.3); short protein forms V114M.
Identifiers: ClinVar variation 2911229 (VCV002911229.5), dbSNP rs565971923, ClinGen allele CA2472436.